The following is an entry in ClinVar:

ClinVar aggregate classification (germline): Uncertain significance (1 of 4 stars; one submission).

Conditions:
Charcot-Marie-Tooth disease axonal type 2O. Also called: Charcot-Marie-Tooth disease, axonal, type 20; CHARCOT-MARIE-TOOTH NEUROPATHY, AXONAL, TYPE 2O; CHARCOT-MARIE-TOOTH DISEASE, AXONAL, AUTOSOMAL DOMINANT, TYPE 2O; Charcot-Marie-Tooth Neuropathy Type 2O. Identifiers: Orphanet 284232, MedGen C3280220, MONDO:0013644, OMIM 614228.

Allele frequency attached by ClinVar (database versions not stated): gnomAD exomes below 0.00001; gnomAD 0.00001; TOPMed 0.00001.
gnomAD v4.1: 2 of 1,613,840 alleles (0.00012%); highest among the groups gnomAD compares: Non-Finnish European, 0.00017%; no homozygotes.

Submission:

Labcorp Genetics (formerly Invitae), Labcorp
Classification: Uncertain significance for Charcot-Marie-Tooth disease axonal type 2O. Last evaluated: 2025-04-26. Review status: criteria provided, single submitter. Criteria: Invitae Variant Classification Sherloc (09022015). Collection method: clinical testing. Allele origin: germline.
Comment: This sequence change replaces glutamic acid, which is acidic and polar, with lysine, which is basic and polar, at codon 4259 of the DYNC1H1 protein (p.Glu4259Lys). This variant is not present in population databases (gnomAD no frequency). This variant has not been reported in the literature in individuals affected with DYNC1H1-related conditions. ClinVar contains an entry for this variant (Variation ID: 2717971). Invitae Evidence Modeling of protein sequence and biophysical properties (such as structural, functional, and spatial information, amino acid conservation, physicochemical variation, residue mobility, and thermodynamic stability) indicates that this missense variant is not expected to disrupt DYNC1H1 protein function with a negative predictive value of 95%. In summary, the available evidence is currently insufficient to determine the role of this variant in disease. Therefore, it has been classified as a Variant of Uncertain Significance.

NM_001376.5(DYNC1H1):c.12775G>A (p.Glu4259Lys)

Gene: DYNC1H1 (dynein cytoplasmic 1 heavy chain 1; plus strand). Cytogenetic location: 14q32.31.
Variant type: single nucleotide variant.
Coding change: c.12775G>A on transcript NM_001376.5 (MANE Select); coding-DNA position 12775, G replaced by A.
Protein change: p.Glu4259Lys; replaces glutamic acid 4259 with lysine.
Molecular consequence: missense variant.
Genome position (GRCh38, 1-based): chr14:102,044,364, G>A. VCF-style: chr14-102044364-G-A. GRCh37 (hg19) VCF-style: chr14-102510701-G-A.
Other names: short protein forms E4259K.
Identifiers: ClinVar variation 2717971 (VCV002717971.3), dbSNP rs2048689310, ClinGen allele CA391043890.